The following is an entry in ClinVar:

ClinVar aggregate classification (germline): Pathogenic (1 of 4 stars; one submission).

Conditions:
KAT6B-related disorder. Also called: KAT6B-related disorders; KAT6B-related condition.

Submission:

Rady Children's Institute for Genomic Medicine, Rady Children's Hospital San Diego
Classification: Pathogenic for KAT6B-related disorders. Review status: criteria provided, single submitter. Criteria: ACMG Guidelines, 2015. Collection method: clinical testing. Allele origin: germline. Affected: yes.
Comment: This frameshift variant is found in the last exon of KAT6B and it is therefore predicted to escape nonsense-mediated mRNA decay (NMD). However, frameshift variants located downstream of this variant have been reported as disease-causing variants in the literature (PMID: 25424711). This variant has not been previously reported or functionally characterized in the literature to our knowledge. The c.4453dup (p.Cys1485LeufsTer2) variant is absent from the gnomAD population database and thus is presumed to be rare. Analysis of the parental samples was negative for the variant, indicating this variant likely occurred as a de novo event. Based on the available evidence, the c.4453dup (p.Cys1485LeufsTer2) variant is classified as Pathogenic.

NM_012330.4(KAT6B):c.4453dup (p.Cys1485fs)

Gene: KAT6B (lysine acetyltransferase 6B; plus strand). Cytogenetic location: 10q22.2.
Variant type: Duplication.
Coding change: c.4453dup on transcript NM_012330.4 (MANE Select); coding-DNA position 4453, one base duplicated (T; older notation c.4453dupT).
Protein change: p.Cys1485fs; shifts the reading frame from cysteine 1485.
Molecular consequence: frameshift variant.
Genome position (GRCh38, 1-based): chr10:75,029,277, T duplicated; the last of 2 consecutive T bases (chr10:75,029,276-75,029,277); duplicating either gives the same sequence. VCF-style (leftmost placement, unchanged base first): chr10-75029275-C-CT. GRCh37 (hg19) VCF-style: chr10-76789033-C-CT.
Other names: c.3904dup, p.Cys1302fs (NM_001256468.2, NM_001370138.1); c.3577dup, p.Cys1193fs (NM_001256469.2, NM_001370139.1, NM_001370140.1 and 2 more transcripts); c.3415dup, p.Cys1139fs (NM_001370132.1); c.2764dup, p.Cys922fs (NM_001370133.1); c.2368dup, p.Cys790fs (NM_001370134.1); c.2110dup, p.Cys704fs (NM_001370135.1); c.4453dup, p.Cys1485fs (NM_001370136.1, NM_001370137.1); c.3388dup, p.Cys1130fs (NM_001370143.1, NM_001370144.1); short protein forms C1130fs, C1139fs, C1193fs, C1302fs, C1485fs, C704fs, C790fs, C922fs.
Identifiers: ClinVar variation 2584529 (VCV002584529.1), dbSNP rs2549202399, ClinGen allele CA2582342680.
Genomic context (GRCh38, chr10:75,029,275, plus strand): 5'-TGCAGCCTGGTCACTCGAACCCAGAGGTCTTAATGGACTGTGGCGTCGACCTGACAGCTT[C>CT]TTGTAACAGTGAGCCCAAGGAGCTTGCTGGGGACCCTGAAGCTGTACCCGAATCTGACGA-3'